The following is an entry in ClinVar:

ClinVar aggregate classification (germline): Uncertain significance. Review status: criteria provided, multiple submitters, no conflicts (2 of 4 stars). 4 submissions from 4 submitters: Uncertain significance (4). Last evaluated 2024-10-03.

Conditions:
Inborn genetic diseases. Identifiers: MedGen C0950123, MeSH D030342.
Autosomal dominant nonsyndromic hearing loss 2A. Also called: DFNA2 Nonsyndromic Hearing Loss; Deafness, autosomal dominant 2A; Autosomal dominant nonsyndromic deafness 2A. Identifiers: Orphanet 90635, MedGen C2677637, MONDO:0010817, OMIM 600101.

Allele frequency attached by ClinVar (database versions not stated): ExAC below 0.00001; gnomAD exomes 0.00003; gnomAD 0.00005; TOPMed 0.00005.
gnomAD v4.1: 56 of 1,570,100 alleles (0.0036%); highest among the groups gnomAD compares: Non-Finnish European, 0.0046%; no homozygotes.

Submissions (4):

Ambry Genetics
Classification: Uncertain significance for Inborn genetic diseases. Last evaluated: 2024-10-03. Review status: criteria provided, single submitter. Criteria: Ambry Variant Classification Scheme 2023. Collection method: clinical testing. Allele origin: germline.

Genome-Nilou Lab
Classification: Uncertain significance for Autosomal dominant nonsyndromic hearing loss 2A. Last evaluated: 2023-04-11. Review status: criteria provided, single submitter. Criteria: ACMG Guidelines, 2015. Collection method: clinical testing. Allele origin: germline. Affected: no.

Labcorp Genetics (formerly Invitae), Labcorp
Classification: Uncertain significance. Last evaluated: 2022-02-24. Review status: criteria provided, single submitter. Criteria: Invitae Variant Classification Sherloc (09022015). Collection method: clinical testing. Allele origin: germline.
Comment: This variant is present in population databases (rs773975779, gnomAD 0.007%). This variant has not been reported in the literature in individuals affected with KCNQ4-related conditions. This sequence change replaces glutamic acid, which is acidic and polar, with glycine, which is neutral and non-polar, at codon 398 of the KCNQ4 protein (p.Glu398Gly). ClinVar contains an entry for this variant (Variation ID: 228769). Algorithms developed to predict the effect of missense changes on protein structure and function (SIFT, PolyPhen-2, Align-GVGD) all suggest that this variant is likely to be tolerated. In summary, the available evidence is currently insufficient to determine the role of this variant in disease. Therefore, it has been classified as a Variant of Uncertain Significance.

Laboratory for Molecular Medicine, Mass General Brigham Personalized Medicine
Classification: Uncertain significance. Last evaluated: 2016-04-05. Review status: criteria provided, single submitter. Criteria: LMM Criteria. Collection method: clinical testing. Allele origin: germline. Observed: 1 variant allele.
Comment: The p.Glu398Gly variant in KCNQ4 has not been previously reported in individuals with hearing loss and data from large population studies are insufficient to as sess the frequency of this variant. Glutamate (Glu) at position 398 is not conse rved in mammals or evolutionarily distant species and 1 mammal (domestic goat) c arries a glycine (Gly), supporting that this change may be tolerated. Additiona l computational prediction tools do not provide strong support for or against an impact to the protein. In summary, the clinical significance of the p.Glu398Gly variant is uncertain.

NM_004700.4(KCNQ4):c.1193A>G (p.Glu398Gly)

Gene: KCNQ4 (potassium voltage-gated channel subfamily Q member 4; plus strand). Cytogenetic location: 1p34.2.
Variant type: single nucleotide variant.
Coding change: c.1193A>G on transcript NM_004700.4 (MANE Select); coding-DNA position 1193, A replaced by G.
Protein change: p.Glu398Gly; replaces glutamic acid 398 with glycine.
Molecular consequence: missense variant. On other transcripts: intron variant (1).
Genome position (GRCh38, 1-based): chr1:40,824,159, A>G. VCF-style: chr1-40824159-A-G. GRCh37 (hg19) VCF-style: chr1-41289831-A-G.
Other names: c.1130+1757A>G (NM_172163.3); short protein forms E398G.
Identifiers: ClinVar variation 228769 (VCV000228769.13), dbSNP rs773975779, ClinGen allele CA794796.